The following is an entry in ClinVar:

NM_005614.4(RHEB):c.104_105delinsTA (p.Tyr35Leu)

Gene: RHEB (Ras homolog, mTORC1 binding; minus strand). Cytogenetic location: 7q36.1.
Variant type: Indel.
Coding change: c.104_105delinsTA on transcript NM_005614.4 (MANE Select); coding-DNA positions 104 to 105, AC replaced by TA.
Protein change: p.Tyr35Leu; replaces tyrosine 35 with leucine.
Molecular consequence: missense variant.
Genome position (GRCh38, 1-based): chr7:151,490,962-151,490,963, GT replaced by TA on the plus strand (AC replaced by TA on the coding strand, the reverse complement: RHEB is on the minus strand). VCF-style: chr7-151490962-GT-TA. GRCh37 (hg19) VCF-style: chr7-151188048-GT-TA.
Other names: short protein forms Y35L.
Identifiers: ClinVar variation 3238630 (VCV003238630.2), dbSNP rs2536111758.

ClinVar aggregate classification (germline): Pathogenic. Review status: criteria provided, multiple submitters, no conflicts (2 of 4 stars). 2 submissions from 2 submitters: Pathogenic (2). Last evaluated 2024-01-12.

Conditions:
Isolated focal cortical dysplasia type IIb. Identifiers: Orphanet 269008, MedGen C5679768, MONDO:0017102.
Isolated focal cortical dysplasia type II (FCORD2). Also called: CORTICAL DYSPLASIA OF TAYLOR; Focal cortical dysplasia type II. Identifiers: Orphanet 268994, MedGen C1846385, MONDO:0011818, OMIM 607341, HP:0032051.

Submissions (2):

Human Genome Lab, NIMHANS, National Institute of Mental Health and Neuro Sciences
Classification: Pathogenic for Isolated focal cortical dysplasia type IIb. Last evaluated: 2024-01-12. Review status: criteria provided, single submitter. Criteria: ACMG Guidelines, 2015. Collection method: clinical testing. Allele origin: somatic. Affected: yes. Observed: 3 variant alleles.
Comment: The variant NM_005614.4(RHEB):c.104_105delinsTA (p.Tyr35Leu) causes the same amino acid change as a previously established pathogenic variant. The p.Tyr35Leu variant is novel (not in any individuals) in 1kG All. The p.Tyr35Leu variant is novel (not in any individuals) in gnomAD (gnomAD v.4.0.0). There is a physicochemical difference between tyrosine and leucine. 5 variants within 6 amino acid positions of the variant p.Tyr35Leu have been shown to be pathogenic, while none have been shown to be benign. The nucleotide c.104 in RHEB is predicted conserved by GERP++ and PhyloP across 100 vertebrates. The variant was validated by amplicon sequencing (>10,000x) and also by orthogonal pipelines such as Strelka2 and VarScan2. For these reasons, this variant has been classified as Pathogenic. (ACMG criteria - PM2 PM1 PP3 PS1 PM5 PP4)

Clinical Genomics Laboratory, Washington University in St. Louis
Classification: Pathogenic for Isolated focal cortical dysplasia type II. Last evaluated: 2024-01-09. Review status: criteria provided, single submitter. Criteria: ACMG Guidelines, 2015. Collection method: clinical testing. Allele origin: somatic. Affected: yes.
Comment: The RHEB c.104_105delinsTA (p.Tyr35Leu) variant was identified at an allelic fraction consistent with somatic origin. This variant has been observed as a somatic mutation in one individual with tuberous sclerosis complex and multiple individuals with focal cortical dysplasia and/or hemimegalencephaly (Lee WS et al., PMID: 37015817; Zhao S et al., PMID: 31337748; Baldassari S et al., PMID: 31444548; Lee WS et al., PMID: 33434304). Two other variants in the same codon, c.104A>C (p.Tyr35Ser) and c.104A>G (p.Tyr35Cys) are reported in ClinVar and both are considered pathogenic (ClinVar Variation IDs 1702651 and 376516). This variant is absent from the general population (gnomAD v.4.0.0), indicating it is not a common variant. Functional studies show that in utero electroporation of the RHEB c.104_105delinsTA (p.Tyr35Leu) variant in mice induced S6 phosphorylation, cytomegalic neurons, dysregulated neuron migration, abnormal electroencephalogram, and seizures and that rapamycin treatment rescued abnormal electroencephalogram and alleviated seizures in these mice (Zhao S et al., PMID: 31337748). Based on an internally developed protocol informed by the ACMG/AMP guidelines (Richards S et al., PMID: 25741868) and gene-specific practices from the ClinGen Criteria Specification Registry, the RHEB c.104_105delinsTA (p.Tyr35Leu) variant is classified as pathogenic.